The following is an entry in ClinVar:

NC_000006.11:g.(?_70490366)_(70506773_?)dup

Gene: LMBRD1 (LMBR1 domain containing 1; minus strand). Cytogenetic location: 6q13.
Variant type: Duplication.
Identifiers: ClinVar variation 2426465 (VCV002426465.6).

ClinVar aggregate classification (germline): Uncertain significance (1 of 4 stars; one submission).

Conditions:
Methylmalonic aciduria and homocystinuria type cblF. Also called: COBALAMIN F DISEASE; COBALAMIN, DEFECT IN LYSOSOMAL RELEASE OF; METHYLMALONIC ACIDEMIA AND HOMOCYSTINURIA, cblF TYPE; METHYLMALONIC ACIDURIA DUE TO VITAMIN B12-RELEASE DEFECT; VITAMIN B12 LYSOSOMAL RELEASE DEFECT; VITAMIN B12 STORAGE DISEASE. Identifiers: Orphanet 79284, MedGen C1848578, MONDO:0010183, OMIM 277380.

Submission:

Labcorp Genetics (formerly Invitae), Labcorp
Classification: Uncertain significance for Methylmalonic aciduria and homocystinuria type cblF. Last evaluated: 2022-09-04. Review status: criteria provided, single submitter. Criteria: Invitae Variant Classification Sherloc (09022015). Collection method: clinical testing. Allele origin: germline.
Comment: This variant has not been reported in the literature in individuals affected with LMBRD1-related conditions. This variant results in a copy number gain of the genomic region encompassing exon(s) 1-3 of the LMBRD1 gene. This region includes the initiator codon of the gene. This copy number gain extends beyond the assayed region for this gene and therefore may encompass additional genes. As the precise location of this event is unknown, it may be in tandem or it may be located elsewhere in the genome. In summary, the available evidence is currently insufficient to determine the role of this variant in disease. Therefore, it has been classified as a Variant of Uncertain Significance. Experimental studies and prediction algorithms are not available or were not evaluated, and the functional significance of this variant is currently unknown.